The following is an entry in ClinVar:

ClinVar aggregate classification (germline): Uncertain significance. Review status: criteria provided, single submitter (1 of 4 stars). 2 submissions from 2 submitters: Uncertain significance (1). 1 of the submissions does not count toward it. Last evaluated 2024-10-16.

Conditions:
Familial adenomatous polyposis 1 (FAP1). Also called: FAMILIAL ADENOMATOUS POLYPOSIS 1, ATTENUATED; POLYPOSIS, ADENOMATOUS INTESTINAL. Identifiers: MedGen C2713442, MONDO:0021056, OMIM 175100. Disease mechanism: loss of function.
Colon cancer. Also called: Malignant tumor of colon. Identifiers: MedGen C0007102, MONDO:0021063, HP:0003003.

gnomAD v4.1: 1 of 1,612,724 alleles (0.000062%); highest among the groups gnomAD compares: Non-Finnish European, 0.000085%; no homozygotes.

Submissions (2):

Labcorp Genetics (formerly Invitae), Labcorp
Classification: Uncertain significance for Familial adenomatous polyposis 1. Last evaluated: 2024-10-16. Review status: criteria provided, single submitter. Criteria: Invitae Variant Classification Sherloc (09022015). Collection method: clinical testing. Allele origin: germline.
Comment: This sequence change replaces lysine, which is basic and polar, with asparagine, which is neutral and polar, at codon 1826 of the APC protein (p.Lys1826Asn). This variant is not present in population databases (gnomAD no frequency). This variant has not been reported in the literature in individuals affected with APC-related conditions. ClinVar contains an entry for this variant (Variation ID: 559945). Invitae Evidence Modeling of protein sequence and biophysical properties (such as structural, functional, and spatial information, amino acid conservation, physicochemical variation, residue mobility, and thermodynamic stability) indicates that this missense variant is not expected to disrupt APC protein function with a negative predictive value of 95%. In summary, the available evidence is currently insufficient to determine the role of this variant in disease. Therefore, it has been classified as a Variant of Uncertain Significance.

3DMed Clinical Laboratory Inc
Classification: Uncertain significance for Colon cancer. Last evaluated: 2017-03-13. Review status: no assertion criteria provided. Criteria: ACMG Guidelines, 2015. Collection method: clinical testing. Allele origin: germline. Affected: yes. Not counted in ClinVar's aggregate classification.

NM_000038.6(APC):c.5478G>C (p.Lys1826Asn)

Gene: APC (APC regulator of Wnt signaling pathway; plus strand). Cytogenetic location: 5q22.2.
Variant type: single nucleotide variant.
Coding change: c.5478G>C on transcript NM_000038.6 (MANE Select); coding-DNA position 5478, G replaced by C.
Protein change: p.Lys1826Asn; replaces lysine 1826 with asparagine.
Molecular consequence: missense variant.
Genome position (GRCh38, 1-based): chr5:112,841,072, G>C. VCF-style: chr5-112841072-G-C. GRCh37 (hg19) VCF-style: chr5-112176769-G-C.
Other names: c.5478G>C, p.Lys1826Asn (NM_001127510.3, NM_001354895.2); c.5424G>C, p.Lys1808Asn (NM_001127511.3); c.5532G>C, p.Lys1844Asn (NM_001354896.2); c.5508G>C, p.Lys1836Asn (NM_001354897.2); c.5403G>C, p.Lys1801Asn (NM_001354898.2); c.5394G>C, p.Lys1798Asn (NM_001354899.2); c.5355G>C, p.Lys1785Asn (NM_001354900.2); c.5301G>C, p.Lys1767Asn (NM_001354901.2); and 5 more; short protein forms K1808N, K1826N, K1725N, K1735N, K1666N, K1767N, K1543N, K1700N.
Identifiers: ClinVar variation 559945 (VCV000559945.4), dbSNP rs768922376, ClinGen allele CA16033318.
Genomic context (GRCh38, chr5:112,841,072, plus strand): 5'-AGACAACAAAGATTCAAAGAAACAGAATTTGAAAAATAATTCCAAGGTCTTCAATGATAA[G>C]CTCCCAAATAATGAAGATAGAGTCAGAGGAAGTTTTGCTTTTGATTCACCTCATCATTAC-3'
Protein context (NP_000029.2, residues 1816-1836): LKNNSKVFND[Lys1826Asn]LPNNEDRVRG